The following is an entry in ClinVar:

ClinVar aggregate classification (germline): Pathogenic (1 of 4 stars; one submission).

Conditions:
Polycystic kidney disease, adult type (PKD1). Also called: Polycystic Kidney Disease 1, Autosomal Dominant; POLYCYSTIC KIDNEY DISEASE, ADULT, TYPE I; Polycystic kidney disease 1; Polycystic kidney disease 1, severe; POLYCYSTIC KIDNEY DISEASE 1 WITH OR WITHOUT POLYCYSTIC LIVER DISEASE; Polycystic Kidney, Autosomal Dominant. Identifiers: MedGen C3149841, MONDO:0008263, OMIM 173900.

Submission:

MVZ Medizinische Genetik Mainz
Classification: Pathogenic for Polycystic kidney disease, adult type. Last evaluated: 2026-06-29. Review status: criteria provided, single submitter. Criteria: UK Practice Guidelines For Variant Classification V4 01 2020. Collection method: clinical testing. Allele origin: germline. Inheritance: Autosomal dominant inheritance. Affected: yes. Observed: 1 variant allele.
Comment: ACMG Criteria: PVS1,PM2_SUP,PP4

NM_001009944.3(PKD1):c.11770dup (p.Arg3924fs)

Gene: PKD1 (polycystin 1, transient receptor potential channel interacting; minus strand). Cytogenetic location: 16p13.3.
Variant type: Duplication.
Coding change: c.11770dup on transcript NM_001009944.3 (MANE Select); coding-DNA position 11770, one base duplicated (A; older notation c.11770dupA).
Protein change: p.Arg3924fs; shifts the reading frame from arginine 3924.
Molecular consequence: frameshift variant.
Genome position (GRCh38, 1-based): chr16:2,091,117, T duplicated on the plus strand (A on the coding strand, the reverse complement: PKD1 is on the minus strand). VCF-style (leftmost placement, unchanged base first): chr16-2091116-C-CT. GRCh37 (hg19) VCF-style: chr16-2141117-C-CT.
Other names: c.11767dup, p.Arg3923fs (NM_000296.4); short protein forms R3923fs, R3924fs.
Identifiers: ClinVar variation 5038196 (VCV005038196.1).
Genomic context (GRCh38, chr16:2,091,116, plus strand): 5'-AGCGCCACCAGCAGCCACCGCGCCCAGGCTCCGAGCCGCAGCACGCGCCAGCGCCCTTCC[C>CT]TGTGCCAAGTACGGGCCTCGGCCACGGCGAAGTGCACGGCGAACAGCAGCAGGCACACCT-3'